The following is an entry in ClinVar:

NM_002641.4(PIGA):c.1281_1282del (p.Phe428fs)

Gene: PIGA (phosphatidylinositol glycan anchor biosynthesis class A; minus strand). Cytogenetic location: Xp22.2.
Variant type: Deletion.
Coding change: c.1281_1282del on transcript NM_002641.4 (MANE Select); coding-DNA positions 1281 to 1282, 2 bases deleted (CT; older notation c.1281_1282delCT).
Protein change: p.Phe428fs; shifts the reading frame from phenylalanine 428.
Molecular consequence: frameshift variant. On other transcripts: non-coding transcript variant (2).
Genome position (GRCh38, 1-based): chrX:15,321,679-15,321,680, AG deleted on the plus strand (CT on the coding strand, the reverse complement: PIGA is on the minus strand); deleting any 2 consecutive bases within chrX:15,321,679-15,321,681 gives the same sequence; the c. name uses the placement nearest the transcript's 3' end. VCF-style (leftmost placement, unchanged base first): chrX-15321678-AAG-A. GRCh37 (hg19) VCF-style: chrX-15339800-AAG-A.
Other names: c.579_580del, p.Phe194fs (NM_020473.3); short protein forms F194fs, F428fs.
Identifiers: ClinVar variation 2444337 (VCV002444337.1), dbSNP rs2519321757, ClinGen allele CA2580100367.

ClinVar aggregate classification (germline): Likely pathogenic (1 of 4 stars; one submission).

Conditions:
Paroxysmal nocturnal hemoglobinuria 1 (PNH1). Identifiers: Orphanet 447, MedGen C3806670, MONDO:0010438, OMIM 300818.

Submission:

3billion
Classification: Likely pathogenic for Paroxysmal nocturnal hemoglobinuria 1. Last evaluated: 2023-02-23. Review status: criteria provided, single submitter. Criteria: ACMG Guidelines, 2015. Collection method: clinical testing. Allele origin: unknown. Affected: yes.
Comment: The variant is not observed in the gnomAD v2.1.1 dataset. This variant was predicted to result in a loss or disruption of normal protein function through protein truncation. The predicted truncated protein may be shortened by more than 10%. Therefore, this variant is classified as Likely pathogenic according to the recommendation of ACMG/AMP guideline.